The following is an entry in ClinVar:

NM_000186.4(CFH):c.2469G>A (p.Met823Ile)

Gene: CFH (complement factor H; plus strand). Cytogenetic location: 1q31.3.
Variant type: single nucleotide variant.
Coding change: c.2469G>A on transcript NM_000186.4 (MANE Select); coding-DNA position 2469, G replaced by A.
Protein change: p.Met823Ile; replaces methionine 823 with isoleucine.
Molecular consequence: missense variant.
Genome position (GRCh38, 1-based): chr1:196,736,879, G>A. VCF-style: chr1-196736879-G-A. GRCh37 (hg19) VCF-style: chr1-196706009-G-A.
Other names: short protein forms M823I.
Identifiers: ClinVar variation 1937029 (VCV001937029.7), dbSNP rs199963716, ClinGen allele CA1305673.

ClinVar aggregate classification (germline): Uncertain significance. Review status: criteria provided, multiple submitters, no conflicts (2 of 4 stars). 3 submissions from 3 submitters: Uncertain significance (2). 1 of the submissions does not count toward it. Last evaluated 2025-09-29.

Conditions:
Inborn genetic diseases. Identifiers: MedGen C0950123, MeSH D030342.
Retinal dystrophy. Also called: Inherited retinal dystrophy. Identifiers: Orphanet 71862, MedGen C0854723, MeSH D058499, MONDO:0019118, HP:0000556.

Allele frequency attached by ClinVar (database versions not stated): TOPMed below 0.00001; ExAC 0.00001; gnomAD 0.00001; gnomAD exomes 0.00001; 1000 Genomes Project 30x 0.00016; 1000 Genomes Project 0.00020.
gnomAD v4.1: 21 of 1,600,284 alleles (0.0013%); highest among the groups gnomAD compares: Non-Finnish European, 0.0017%; no homozygotes.

Submissions (3):

Ambry Genetics
Classification: Uncertain significance for Inborn genetic diseases. Last evaluated: 2025-09-29. Review status: criteria provided, single submitter. Criteria: Ambry Variant Classification Scheme 2023. Collection method: clinical testing. Allele origin: germline.

Labcorp Genetics (formerly Invitae), Labcorp
Classification: Uncertain significance. Last evaluated: 2022-08-27. Review status: criteria provided, single submitter. Criteria: Invitae Variant Classification Sherloc (09022015). Collection method: clinical testing. Allele origin: germline.
Comment: This sequence change replaces methionine, which is neutral and non-polar, with isoleucine, which is neutral and non-polar, at codon 823 of the CFH protein (p.Met823Ile). This variant is present in population databases (rs199963716, gnomAD 0.0009%). This variant has not been reported in the literature in individuals affected with CFH-related conditions. Algorithms developed to predict the effect of missense changes on protein structure and function output the following: SIFT: "Tolerated"; PolyPhen-2: "Benign"; Align-GVGD: "Class C0". The isoleucine amino acid residue is found in multiple mammalian species, which suggests that this missense change does not adversely affect protein function. In summary, the available evidence is currently insufficient to determine the role of this variant in disease. Therefore, it has been classified as a Variant of Uncertain Significance.

Institute of Human Genetics, Univ. Regensburg, Univ. Regensburg
Classification: Uncertain significance for Retinal dystrophy. Last evaluated: 2022-01-01. Review status: no assertion criteria provided. Criteria: ACMG Guidelines, 2015. Collection method: clinical testing. Allele origin: germline. Affected: yes. Not counted in ClinVar's aggregate classification.